The following is an entry in ClinVar:

NM_001270508.2(TNFAIP3):c.1384C>T (p.Pro462Ser)

Gene: TNFAIP3 (TNF alpha induced protein 3; plus strand). Cytogenetic location: 6q23.3.
Variant type: single nucleotide variant.
Coding change: c.1384C>T on transcript NM_001270508.2 (MANE Select); coding-DNA position 1384, C replaced by T.
Protein change: p.Pro462Ser; replaces proline 462 with serine.
Molecular consequence: missense variant.
Genome position (GRCh38, 1-based): chr6:137,878,829, C>T. VCF-style: chr6-137878829-C-T. GRCh37 (hg19) VCF-style: chr6-138199966-C-T.
Other names: c.1384C>T, p.Pro462Ser (NM_001270507.2, NM_006290.4); short protein forms P462S.
Identifiers: ClinVar variation 2119296 (VCV002119296.4), dbSNP rs1168260001, ClinGen allele CA365790083.

ClinVar aggregate classification (germline): Uncertain significance (1 of 4 stars; one submission).

Allele frequency attached by ClinVar (database versions not stated): TOPMed below 0.00001; gnomAD 0.00001.
gnomAD v4.1: 3 of 1,614,046 alleles (0.00019%); highest among the groups gnomAD compares: East Asian, 0.0022%; no homozygotes.

Submission:

Labcorp Genetics (formerly Invitae), Labcorp
Classification: Uncertain significance. Last evaluated: 2023-10-13. Review status: criteria provided, single submitter. Criteria: Invitae Variant Classification Sherloc (09022015). Collection method: clinical testing. Allele origin: germline.
Comment: This sequence change replaces proline, which is neutral and non-polar, with serine, which is neutral and polar, at codon 462 of the TNFAIP3 protein (p.Pro462Ser). This variant is not present in population databases (gnomAD no frequency). This variant has not been reported in the literature in individuals affected with TNFAIP3-related conditions. ClinVar contains an entry for this variant (Variation ID: 2119296). Advanced modeling of protein sequence and biophysical properties (such as structural, functional, and spatial information, amino acid conservation, physicochemical variation, residue mobility, and thermodynamic stability) performed at Invitae indicates that this missense variant is not expected to disrupt TNFAIP3 protein function. In summary, the available evidence is currently insufficient to determine the role of this variant in disease. Therefore, it has been classified as a Variant of Uncertain Significance.